The following is an entry in ClinVar:

NM_000018.4(ACADVL):c.490G>A (p.Val164Met)

Gene: ACADVL (acyl-CoA dehydrogenase very long chain; plus strand). Cytogenetic location: 17p13.1.
Variant type: single nucleotide variant.
Coding change: c.490G>A on transcript NM_000018.4 (MANE Select); coding-DNA position 490, G replaced by A.
Protein change: p.Val164Met; replaces valine 164 with methionine.
Molecular consequence: missense variant.
Genome position (GRCh38, 1-based): chr17:7,221,550, G>A. VCF-style: chr17-7221550-G-A. GRCh37 (hg19) VCF-style: chr17-7124869-G-A.
Other names: c.424G>A, p.Val142Met (NM_001033859.3); c.559G>A, p.Val187Met (NM_001270447.2); c.262G>A, p.Val88Met (NM_001270448.2); short protein forms V164M, V142M, V187M, V88M.
Identifiers: ClinVar variation 2747650 (VCV002747650.3), dbSNP rs1240846419, ClinGen allele CA397723017.

ClinVar aggregate classification (germline): Likely pathogenic (1 of 4 stars; one submission).

Conditions:
Very long chain acyl-CoA dehydrogenase deficiency (ACADVLD). Also called: Very Long-Chain Acyl-Coenzyme A Dehydrogenase Deficiency; VLCAD Deficiency. Identifiers: Orphanet 26793, MedGen C3887523, MONDO:0008723, OMIM 201475.

Submission:

Labcorp Genetics (formerly Invitae), Labcorp
Classification: Likely pathogenic for Very long chain acyl-CoA dehydrogenase deficiency. Last evaluated: 2023-08-24. Review status: criteria provided, single submitter. Criteria: Invitae Variant Classification Sherloc (09022015). Collection method: clinical testing. Allele origin: germline.
Comment: This sequence change replaces valine, which is neutral and non-polar, with methionine, which is neutral and non-polar, at codon 164 of the ACADVL protein (p.Val164Met). In summary, the currently available evidence indicates that the variant is pathogenic, but additional data are needed to prove that conclusively. Therefore, this variant has been classified as Likely Pathogenic. This variant disrupts the p.Val164 amino acid residue in ACADVL. Other variant(s) that disrupt this residue have been determined to be pathogenic (PMID: 23169530; Invitae). This suggests that this residue is clinically significant, and that variants that disrupt this residue are likely to be disease-causing. Advanced modeling of protein sequence and biophysical properties (such as structural, functional, and spatial information, amino acid conservation, physicochemical variation, residue mobility, and thermodynamic stability) performed at Invitae indicates that this missense variant is expected to disrupt ACADVL protein function. This variant has not been reported in the literature in individuals affected with ACADVL-related conditions. This variant is not present in population databases (gnomAD no frequency).

Literature cited by the submitters: PubMed 23169530.